The following is an entry in ClinVar:

NM_001753.5(CAV1):c.55C>T (p.Arg19Trp)

Gene: CAV1 (caveolin 1; plus strand). Cytogenetic location: 7q31.2.
Variant type: single nucleotide variant.
Coding change: c.55C>T on transcript NM_001753.5 (MANE Select); coding-DNA position 55, C replaced by T.
Protein change: p.Arg19Trp; replaces arginine 19 with tryptophan.
Molecular consequence: missense variant. On other transcripts: 5 prime UTR variant (3).
Genome position (GRCh38, 1-based): chr7:116,526,549, C>T. VCF-style: chr7-116526549-C-T. GRCh37 (hg19) VCF-style: chr7-116166603-C-T.
Other names: c.-39C>T (NM_001172895.1, NM_001172896.2, NM_001172897.2); short protein forms R19W.
Identifiers: ClinVar variation 1748553 (VCV001748553.2), dbSNP rs2485157817, ClinGen allele CA369116617.

ClinVar aggregate classification (germline): Uncertain significance (1 of 4 stars; one submission).

Conditions:
Inborn genetic diseases. Identifiers: MedGen C0950123, MeSH D030342.

Submission:

Ambry Genetics
Classification: Uncertain significance for Inborn genetic diseases. Last evaluated: 2021-07-12. Review status: criteria provided, single submitter. Criteria: Ambry Variant Classification Scheme 2023. Collection method: clinical testing. Allele origin: germline.
Comment: The p.R19W variant (also known as c.55C>T), located in coding exon 2 of the CAV1 gene, results from a C to T substitution at nucleotide position 55. The arginine at codon 19 is replaced by tryptophan, an amino acid with dissimilar properties. This amino acid position is conserved. In addition, this alteration is predicted to be deleterious by in silico analysis. Since supporting evidence is limited at this time, the clinical significance of this alteration remains unclear.